The following is an entry in ClinVar:

NM_001457.4(FLNB):c.518C>A (p.Ala173Asp)

Gene: FLNB (filamin B; plus strand). Cytogenetic location: 3p14.3.
Variant type: single nucleotide variant.
Coding change: c.518C>A on transcript NM_001457.4 (MANE Select); coding-DNA position 518, C replaced by A.
Protein change: p.Ala173Asp; replaces alanine 173 with aspartic acid.
Molecular consequence: missense variant.
Genome position (GRCh38, 1-based): chr3:58,077,271, C>A. VCF-style: chr3-58077271-C-A. GRCh37 (hg19) VCF-style: chr3-58062998-C-A.
Other names: c.518C>A (NM_001457.3); c.518C>A, p.Ala173Asp (NM_001164317.2, NM_001164318.2, NM_001164319.2); short protein forms A173D.
Identifiers: ClinVar variation 4963102 (VCV004963102.2).
Genomic context (GRCh38, chr3:58,077,271, plus strand): 5'-TCCCCTACTTGCCCATCACCAACTTTAACCAGAACTGGCAAGACGGCAAAGCCCTGGGAG[C>A]CCTGGTAGACAGCTGTGCTCCAGGTAAGTGGCCAGGGCTGCCTAAACCATCTGTCCAGGA-3'
Protein context (NP_001448.2, residues 163-183): QNWQDGKALG[Ala173Asp]LVDSCAPGLC

ClinVar aggregate classification (germline): Likely pathogenic. Review status: criteria provided, multiple submitters, no conflicts (2 of 4 stars). 2 submissions from 2 submitters: Likely pathogenic (2). Last evaluated 2025-02-19.

Conditions:
FLNB-related disorder. Also called: FLNB-related condition; FLNB-related disorders. Identifiers: MedGen CN381095.

Submissions (2):

PreventionGenetics, part of Exact Sciences
Classification: Likely pathogenic for FLNB-related condition. Last evaluated: 2025-02-19. Review status: criteria provided, single submitter. Criteria: ACMG Guidelines, 2015. Collection method: clinical testing. Allele origin: germline.
Comment: The FLNB c.518C>A variant is predicted to result in the amino acid substitution p.Ala173Asp. To our knowledge, this variant has not been reported in the literature or in a large population database (gnomAD), indicating this variant is rare. Alternate substitutions of this amino acid (p.Ala173Thr & p.Ala173Val) have been reported in two individuals with atelosteogenesis I (reported as de novo, Jeon et al. 2014. PubMed ID: 24624349; Krakow et al. 2004. PubMed ID: 14991055). This variant is interpreted as likely pathogenic.

Blueprint Genetics
Classification: Likely pathogenic for FLNB-related disorders. Last evaluated: 2021-07-15. Review status: criteria provided, single submitter. Criteria: ACMG Guidelines, 2015. Collection method: clinical testing. Allele origin: germline. Affected: yes. Observed: 1 variant allele.